The following is an entry in ClinVar:

ClinVar aggregate classification (germline): Uncertain significance (1 of 4 stars; one submission).

Submission:

GeneDx
Classification: Uncertain significance. Last evaluated: 2026-01-16. Review status: criteria provided, single submitter. Criteria: GeneDx Variant Classification Process June 2021. Collection method: clinical testing. Allele origin: germline. Affected: yes.
Comment: Not observed at significant frequency in large population cohorts (gnomAD); In silico analysis supports that this missense variant does not alter protein structure/function; Has not been previously published as pathogenic or benign to our knowledge

NM_031407.7(HUWE1):c.2761T>A (p.Ser921Thr)

Gene: HUWE1 (HECT, UBA and WWE domain containing E3 ubiquitin protein ligase 1; minus strand). Cytogenetic location: Xp11.22.
Variant type: single nucleotide variant.
Coding change: c.2761T>A on transcript NM_031407.7 (MANE Select); coding-DNA position 2761, T replaced by A.
Protein change: p.Ser921Thr; replaces serine 921 with threonine.
Molecular consequence: missense variant.
Genome position (GRCh38, 1-based): chrX:53,603,483, A>T on the plus strand (T>A on the coding strand, the complement: HUWE1 is on the minus strand). VCF-style: chrX-53603483-A-T. GRCh37 (hg19) VCF-style: chrX-53630444-A-T.
Other names: short protein forms S921T.
Identifiers: ClinVar variation 3370646 (VCV003370646.2).